The following is an entry in ClinVar:

ClinVar aggregate classification (germline): Uncertain significance (1 of 4 stars; one submission).

Allele frequency attached by ClinVar (database versions not stated): TOPMed below 0.00001; gnomAD 0.00001.
gnomAD v4.1: 2 of 1,602,196 alleles (0.00012%); highest among the groups gnomAD compares: Non-Finnish European, 0.00017%; no homozygotes.

Submission:

Ambry Genetics
Classification: Uncertain significance. Last evaluated: 2021-11-27. Review status: criteria provided, single submitter. Criteria: Ambry Variant Classification Scheme 2023. Collection method: clinical testing. Allele origin: germline.
Comment: The p.I86S variant (also known as c.257T>G), located in coding exon 4 of the RAD54L gene, results from a T to G substitution at nucleotide position 257. The isoleucine at codon 86 is replaced by serine, an amino acid with dissimilar properties. This amino acid position is conserved. In addition, this alteration is predicted to be deleterious by in silico analysis. Since supporting evidence is limited at this time, the clinical significance of this alteration remains unclear.

NM_003579.4(RAD54L):c.257T>G (p.Ile86Ser)

Gene: RAD54L (RAD54 like; plus strand). Cytogenetic location: 1p34.1.
Variant type: single nucleotide variant.
Coding change: c.257T>G on transcript NM_003579.4 (MANE Select); coding-DNA position 257, T replaced by G.
Protein change: p.Ile86Ser; replaces isoleucine 86 with serine.
Molecular consequence: missense variant. On other transcripts: 5 prime UTR variant (1).
Genome position (GRCh38, 1-based): chr1:46,258,732, T>G. VCF-style: chr1-46258732-T-G. GRCh37 (hg19) VCF-style: chr1-46724404-T-G.
Other names: c.257T>G, p.Ile86Ser (NM_001142548.2); c.-284T>G (NM_001370766.1); short protein forms I86S.
Identifiers: ClinVar variation 1793366 (VCV001793366.2), dbSNP rs1660009998, ClinGen allele CA340180902.
Genomic context (GRCh38, chr1:46,258,732, plus strand): 5'-TCCTTTCTTTTTAGGAAGCATTTATTCGAAGCATTTTGTCAAAGCCTTTCAAAGTCCCCA[T>G]TCCAAATTATCAAGGTAAAATGGAGGTTTTTCTGTTTTTGAAATCAGTCATATGTACGTG-3'
Protein context (NP_003570.2, residues 76-96): SILSKPFKVP[Ile86Ser]PNYQGPLGSR